The following is an entry in ClinVar:

ClinVar aggregate classification (germline): Likely pathogenic (1 of 4 stars; one submission).

Conditions:
Polycystic kidney disease 4 (PKD4). Also called: POLYCYSTIC KIDNEY AND HEPATIC DISEASE 1; POLYCYSTIC KIDNEY DISEASE, INFANTILE, TYPE I; POLYCYSTIC KIDNEY DISEASE 4 WITH OR WITHOUT POLYCYSTIC LIVER DISEASE; PKD3; Autosomal Recessive Polycystic Kidney Disease – PKHD1. Identifiers: MedGen C4540575, MONDO:0033004, OMIM 263200.

Submission:

Myriad Genetics, Inc.
Classification: Likely pathogenic for Polycystic kidney disease 4. Last evaluated: 2022-02-20. Review status: criteria provided, single submitter. Criteria: Myriad Women's Health Autosomal Recessive and X-Linked Classification Criteria (2021). Collection method: clinical testing. Allele origin: unknown.
Comment: NM_138694.3(PKHD1):c.3886_3887delGA(E1296Sfs*17) is expected to be pathogenic in the context of autosomal recessive polycystic kidney disease, PKHD1-related. This variant is predicted to lead to an abnormal or absent protein product due to the creation of a premature termination codon in PKHD1, a gene where loss-of-function variants are known to be pathogenic. Please note: this variant was assessed in the context of healthy population screening.

NM_138694.4(PKHD1):c.3886_3887del (p.Glu1296fs)

Gene: PKHD1 (PKHD1 ciliary IPT domain containing fibrocystin/polyductin; minus strand). Cytogenetic location: 6p12.2.
Variant type: Deletion.
Coding change: c.3886_3887del on transcript NM_138694.4 (MANE Select); coding-DNA positions 3886 to 3887, 2 bases deleted (GA; older notation c.3886_3887delGA).
Protein change: p.Glu1296fs; shifts the reading frame from glutamic acid 1296.
Molecular consequence: frameshift variant.
Genome position (GRCh38, 1-based): chr6:52,025,923-52,025,924, TC deleted on the plus strand (GA on the coding strand, the reverse complement: PKHD1 is on the minus strand). VCF-style (leftmost placement, unchanged base first): chr6-52025922-TTC-T. GRCh37 (hg19) VCF-style: chr6-51890720-TTC-T.
Other names: c.3886_3887del, p.Glu1296fs (NM_170724.3); short protein forms E1296fs.
Identifiers: ClinVar variation 1724594 (VCV001724594.2), dbSNP rs2532732787, ClinGen allele CA2580075464.